The following is an entry in ClinVar:

NM_013275.6(ANKRD11):c.6809C>T (p.Ala2270Val)

Gene: ANKRD11 (ankyrin repeat domain 11; minus strand). Cytogenetic location: 16q24.3.
Variant type: single nucleotide variant.
Coding change: c.6809C>T on transcript NM_013275.6 (MANE Select); coding-DNA position 6809, C replaced by T.
Protein change: p.Ala2270Val; replaces alanine 2270 with valine.
Molecular consequence: missense variant.
Genome position (GRCh38, 1-based): chr16:89,279,733, G>A on the plus strand (C>T on the coding strand, the complement: ANKRD11 is on the minus strand). VCF-style: chr16-89279733-G-A. GRCh37 (hg19) VCF-style: chr16-89346141-G-A.
Other names: c.6809C>T, p.Ala2270Val (NM_001256182.2, NM_001256183.2); short protein forms A2270V.
Identifiers: ClinVar variation 2159121 (VCV002159121.4), dbSNP rs1045721935, ClinGen allele CA286509756.

ClinVar aggregate classification (germline): Uncertain significance (1 of 4 stars; one submission).

Conditions:
KBG syndrome (KBGS). Also called: ANKRD11-Related KBG Syndrome. Identifiers: Orphanet 2332, MedGen C0220687, MONDO:0007846, OMIM 148050.

Allele frequency attached by ClinVar (database versions not stated): gnomAD 0.00001; TOPMed 0.00001.
gnomAD v4.1: 3 of 1,539,528 alleles (0.00019%); highest among the groups gnomAD compares: Non-Finnish European, 0.00026%; no homozygotes.

Submission:

Labcorp Genetics (formerly Invitae), Labcorp
Classification: Uncertain significance for KBG syndrome. Last evaluated: 2023-11-27. Review status: criteria provided, single submitter. Criteria: Invitae Variant Classification Sherloc (09022015). Collection method: clinical testing. Allele origin: germline.
Comment: This sequence change replaces alanine, which is neutral and non-polar, with valine, which is neutral and non-polar, at codon 2270 of the ANKRD11 protein (p.Ala2270Val). The frequency data for this variant in the population databases is considered unreliable, as metrics indicate poor data quality at this position in the gnomAD database. This variant has not been reported in the literature in individuals affected with ANKRD11-related conditions. ClinVar contains an entry for this variant (Variation ID: 2159121). Advanced modeling of protein sequence and biophysical properties (such as structural, functional, and spatial information, amino acid conservation, physicochemical variation, residue mobility, and thermodynamic stability) performed at Invitae indicates that this missense variant is not expected to disrupt ANKRD11 protein function with a negative predictive value of 95%. In summary, the available evidence is currently insufficient to determine the role of this variant in disease. Therefore, it has been classified as a Variant of Uncertain Significance.